The following is an entry in ClinVar:

ClinVar aggregate classification (germline): Uncertain significance (1 of 4 stars; one submission).

Submission:

Labcorp Genetics (formerly Invitae), Labcorp
Classification: Uncertain significance. Last evaluated: 2023-06-15. Review status: criteria provided, single submitter. Criteria: Invitae Variant Classification Sherloc (09022015). Collection method: clinical testing. Allele origin: germline.
Comment: In summary, the available evidence is currently insufficient to determine the role of this variant in disease. Therefore, it has been classified as a Variant of Uncertain Significance. This sequence change replaces phenylalanine, which is neutral and non-polar, with leucine, which is neutral and non-polar, at codon 1366 of the POLE protein (p.Phe1366Leu). This variant is not present in population databases (gnomAD no frequency). This variant has not been reported in the literature in individuals affected with POLE-related conditions. Advanced modeling of protein sequence and biophysical properties (such as structural, functional, and spatial information, amino acid conservation, physicochemical variation, residue mobility, and thermodynamic stability) performed at Invitae indicates that this missense variant is not expected to disrupt POLE protein function.

NM_006231.4(POLE):c.4098C>A (p.Phe1366Leu)

Gene: POLE (DNA polymerase epsilon, catalytic subunit; minus strand). Cytogenetic location: 12q24.33.
Variant type: single nucleotide variant.
Coding change: c.4098C>A on transcript NM_006231.4 (MANE Select); coding-DNA position 4098, C replaced by A.
Protein change: p.Phe1366Leu; replaces phenylalanine 1366 with leucine.
Molecular consequence: missense variant.
Genome position (GRCh38, 1-based): chr12:132,648,980, G>T on the plus strand (C>A on the coding strand, the complement: POLE is on the minus strand). VCF-style: chr12-132648980-G-T. GRCh37 (hg19) VCF-style: chr12-133225566-G-T.
Other names: short protein forms F1366L.
Identifiers: ClinVar variation 2715533 (VCV002715533.3), dbSNP rs2138597436, ClinGen allele CA387383732.
Genomic context (GRCh38, chr12:132,648,980, plus strand): 5'-CCTCCCTACCTTGCGATACGAAGCACCCTCCTCCGCTTTAGCGACTCGCTGGTTCACGTA[G>T]AACACACGGGGGATGCTCAGCCTGATGCAGTGCAAGTCACTGCCAACGAGCGCCCACAGC-3'
Protein context (NP_006222.2, residues 1356-1376): HCIRLSIPRV[Phe1366Leu]YVNQRVAKAE